The following is an entry in ClinVar:

NM_000038.6(APC):c.2640C>T (p.Ile880=)

Gene: APC (APC regulator of Wnt signaling pathway; plus strand). Cytogenetic location: 5q22.2.
Variant type: single nucleotide variant.
Coding change: c.2640C>T on transcript NM_000038.6 (MANE Select); coding-DNA position 2640, C replaced by T.
Protein change: p.Ile880=; no amino-acid change (isoleucine 880 retained).
Molecular consequence: synonymous variant.
Genome position (GRCh38, 1-based): chr5:112,838,234, C>T. VCF-style: chr5-112838234-C-T. GRCh37 (hg19) VCF-style: chr5-112173931-C-T.
Other names: c.2640C>T, p.Ile880= (NM_001127510.3, NM_001354895.2); c.2586C>T, p.Ile862= (NM_001127511.3); c.2694C>T, p.Ile898= (NM_001354896.2); c.2670C>T, p.Ile890= (NM_001354897.2); c.2565C>T, p.Ile855= (NM_001354898.2); c.2556C>T, p.Ile852= (NM_001354899.2); c.2517C>T, p.Ile839= (NM_001354900.2); c.2463C>T, p.Ile821= (NM_001354901.2); and 5 more.
Identifiers: ClinVar variation 135693 (VCV000135693.23), dbSNP rs200184105, ClinGen allele CA007691.
Genomic context (GRCh38, chr5:112,838,234, plus strand): 5'-AGGCAACTACCATCCAGCAACAGAAAATCCAGGAACTTCTTCAAAGCGAGGTTTGCAGAT[C>T]TCCACCACTGCAGCCCAGATTGCCAAAGTCATGGAAGAAGTGTCAGCCATTCATACCTCT-3'
Protein context (NP_000029.2, residues 870-890): PGTSSKRGLQ[Ile880=]STTAAQIAKV

ClinVar aggregate classification (germline): Benign/Likely benign. Review status: criteria provided, multiple submitters, no conflicts (2 of 4 stars). 9 submissions from 9 submitters: Benign (3); Likely benign (5). 1 of the submissions does not count toward it. Last evaluated 2026-02-04.

Conditions:
Familial adenomatous polyposis 1 (FAP1). Also called: FAMILIAL ADENOMATOUS POLYPOSIS 1, ATTENUATED; POLYPOSIS, ADENOMATOUS INTESTINAL. Identifiers: MedGen C2713442, MONDO:0021056, OMIM 175100. Disease mechanism: loss of function.
APC-related disorder. Also called: APC-related condition.
Hereditary cancer-predisposing syndrome. Also called: Tumor predisposition; Hereditary neoplastic syndrome; Neoplastic Syndromes, Hereditary; Hereditary Cancer Syndrome. Identifiers: Orphanet 140162, MedGen C0027672, MeSH D009386, MONDO:0015356.

Allele frequency attached by ClinVar (database versions not stated): ExAC 0.00003; TOPMed 0.00009; gnomAD 0.00013 and 0.00014; 1000 Genomes Project 0.00040; 1000 Genomes Project 30x 0.00062.
gnomAD v4.1: 84 of 1,614,190 alleles (0.0052%); highest among the groups gnomAD compares: Admixed American, 0.055%; no homozygotes.

Submissions (9):

Labcorp Genetics (formerly Invitae), Labcorp
Classification: Benign for Familial adenomatous polyposis 1. Last evaluated: 2026-02-04. Review status: criteria provided, single submitter. Criteria: Invitae Variant Classification Sherloc (09022015). Collection method: clinical testing. Allele origin: germline.

Myriad Genetics, Inc.
Classification: Benign for Familial adenomatous polyposis 1. Last evaluated: 2024-03-14. Review status: criteria provided, single submitter. Criteria: Myriad Autosomal Dominant, Autosomal Recessive and X-Linked Classification Criteria (2023). Collection method: clinical testing. Allele origin: unknown.
Comment: This variant is considered benign. This variant is a silent/synonymous amino acid change and it is not expected to impact splicing.

Sema4
Classification: Likely benign for Hereditary cancer-predisposing syndrome. Last evaluated: 2020-12-10. Review status: criteria provided, single submitter. Criteria: Sema4 Curation Guidelines. Collection method: curation. Allele origin: germline.

Quest Diagnostics Nichols Institute San Juan Capistrano
Classification: Benign. Last evaluated: 2019-11-22. Review status: criteria provided, single submitter. Criteria: Quest Diagnostics criteria. Collection method: clinical testing. Allele origin: unknown.

GeneDx
Classification: Likely benign. Last evaluated: 2019-10-03. Review status: criteria provided, single submitter. Criteria: GeneDx Variant Classification Process June 2021. Collection method: clinical testing. Allele origin: germline. Affected: yes.

Women's Health and Genetics/Laboratory Corporation of America, LabCorp
Classification: Likely benign. Last evaluated: 2016-11-18. Review status: criteria provided, single submitter. Criteria: LabCorp Variant Classification Summary - May 2015. Collection method: clinical testing. Allele origin: germline.
Comment: Variant summary: The APC c.2640C>T (p.Ile880Ile) variant involves the alteration of a non-conserved nucleotide, resulting in a synonymous change. 5/5 splice prediction tools predict no significant impact on normal splicing. This variant was found in 4/121320 control chromosomes, predominantly observed in the Latino subpopulation at a frequency of 0.0002594 (3/11566). This frequency is about 4 times the estimated maximal expected allele frequency of a pathogenic APC variant (0.0000714), suggesting this is likely a benign polymorphism found primarily in the populations of Latino origin. In addition, one clinical diagnostic laboratory has classified this variant as likely benign. The variant of interest has not, to our knowledge, been reported in affected individuals via publications. Taken together, this variant is classified as likely benign.

Color Diagnostics, LLC DBA Color Health
Classification: Likely benign for Hereditary cancer-predisposing syndrome. Last evaluated: 2016-10-02. Review status: criteria provided, single submitter. Criteria: ACMG Guidelines, 2015. Collection method: clinical testing. Allele origin: germline.

Ambry Genetics
Classification: Likely benign for Hereditary cancer-predisposing syndrome. Last evaluated: 2015-02-13. Review status: criteria provided, single submitter. Criteria: Ambry Variant Classification Scheme 2023. Collection method: clinical testing. Allele origin: germline.

PreventionGenetics, part of Exact Sciences
Classification: Likely benign for APC-related condition. Last evaluated: 2019-06-14. Review status: no assertion criteria provided. Collection method: clinical testing. Allele origin: germline. Not counted in ClinVar's aggregate classification.
Comment: This variant is classified as likely benign based on ACMG/AMP sequence variant interpretation guidelines (Richards et al. 2015 PMID: 25741868, with internal and published modifications).